The following is an entry in ClinVar:

NM_182961.4(SYNE1):c.18972+4T>C

Gene: SYNE1 (spectrin repeat containing nuclear envelope protein 1; minus strand). Cytogenetic location: 6q25.2.
Variant type: single nucleotide variant.
Coding change: c.18972+4T>C on transcript NM_182961.4 (MANE Select); 4 bases into the intron after coding-DNA position 18972, T replaced by C.
Molecular consequence: intron variant.
Genome position (GRCh38, 1-based): chr6:152,262,028, A>G on the plus strand (T>C on the coding strand, the complement: SYNE1 is on the minus strand). VCF-style: chr6-152262028-A-G. GRCh37 (hg19) VCF-style: chr6-152583163-A-G.
Other names: c.18759+4T>C (NM_033071.5).
Identifiers: ClinVar variation 594263 (VCV000594263.11), dbSNP rs774096623, ClinGen allele CA4054807.
Genomic context (GRCh38, chr6:152,262,028, plus strand): 5'-AATCCCTCAGCATAAACTCTACATCTTTTATATTAGTTAATATATAATGTAAAATATTTG[A>G]TACCACTTGCTCTTGTTCCTGTTCCAGAACATTCTGTAGTAGTTTCTGCTTGGTACTAAA-3'

ClinVar aggregate classification (germline): Conflicting classifications of pathogenicity. Review status: criteria provided, conflicting classifications (1 of 4 stars). 4 submissions from 4 submitters: Uncertain significance (3); Likely benign (1). Last evaluated 2023-12-11.

Conditions:
Emery-Dreifuss muscular dystrophy 4, autosomal dominant (EDMD4). Also called: EMERY-DREIFUSS MUSCULAR DYSTROPHY 4 WITH VARIABLE FEATURES. Identifiers: Orphanet 261, MedGen C2751807, MONDO:0013071, OMIM 612998.
Autosomal recessive ataxia, Beauce type. Also called: SYNE1-Related Autosomal Recessive Cerebellar Ataxia; Spinocerebellar ataxia, autosomal recessive 8; ATAXIA, RECESSIVE, OF BEAUCE; SYNE1 Deficiency. Identifiers: Orphanet 88644, MedGen C1853116, MONDO:0012549, OMIM 610743.

Allele frequency attached by ClinVar (database versions not stated): gnomAD 0.00002 and 0.00003; TOPMed 0.00007; gnomAD exomes 0.00010 and 0.00020; ExAC 0.00018.
gnomAD v4.1: 64 of 1,610,642 alleles (0.004%); highest among the groups gnomAD compares: Admixed American, 0.11%; no homozygotes.

Submissions (4):

Labcorp Genetics (formerly Invitae), Labcorp
Classification: Uncertain significance for Emery-Dreifuss muscular dystrophy 4, autosomal dominant; Autosomal recessive ataxia, Beauce type. Last evaluated: 2023-12-11. Review status: criteria provided, single submitter. Criteria: Invitae Variant Classification Sherloc (09022015). Collection method: clinical testing. Allele origin: germline.
Comment: This sequence change falls in intron 100 of the SYNE1 gene. It does not directly change the encoded amino acid sequence of the SYNE1 protein. It affects a nucleotide within the consensus splice site. This variant is present in population databases (rs774096623, gnomAD 0.1%). This variant has not been reported in the literature in individuals affected with SYNE1-related conditions. ClinVar contains an entry for this variant (Variation ID: 594263). Variants that disrupt the consensus splice site are a relatively common cause of aberrant splicing (PMID: 17576681, 9536098). Algorithms developed to predict the effect of sequence changes on RNA splicing suggest that this variant is not likely to affect RNA splicing. In summary, the available evidence is currently insufficient to determine the role of this variant in disease. Therefore, it has been classified as a Variant of Uncertain Significance.

Women's Health and Genetics/Laboratory Corporation of America, LabCorp
Classification: Uncertain significance. Last evaluated: 2022-11-09. Review status: criteria provided, single submitter. Criteria: LabCorp Variant Classification Summary - May 2015. Collection method: clinical testing. Allele origin: germline.
Comment: Variant summary: SYNE1 c.18759+4T>C alters a non-conserved nucleotide located close to a canonical splice site and therefore could affect mRNA splicing, leading to a significantly altered protein sequence. Computational tool(s) predict no significant impact on normal splicing. However, these predictions have yet to be confirmed by functional studies. The variant allele was found at a frequency of 0.0002 in 250180 control chromosomes (gnomAD). To our knowledge, no occurrence of c.18759+4T>C in individuals affected with SYNE1-Related Disorders and no experimental evidence demonstrating its impact on protein function have been reported. Three clinical diagnostic laboratories have submitted clinical-significance assessments for this variant to ClinVar after 2014 and classified the variant as uncertain significance (n=2) and as likely benign (n=1). Based on the evidence outlined above, the variant was classified as uncertain significance.

Athena Diagnostics
Classification: Likely benign. Last evaluated: 2020-04-06. Review status: criteria provided, single submitter. Criteria: Athena Diagnostics Criteria. Collection method: clinical testing. Allele origin: unknown.

Eurofins Ntd Llc (ga)
Classification: Uncertain significance. Last evaluated: 2017-09-29. Review status: criteria provided, single submitter. Criteria: EGL Classification Definitions 2015. Collection method: clinical testing. Allele origin: germline. Observed: 1 variant allele, 1 heterozygote.

Literature cited by the submitters: PubMed 17576681 (cited by Labcorp Genetics (formerly Invitae), Labcorp); PubMed 9536098 (cited by Labcorp Genetics (formerly Invitae), Labcorp).